The following is an entry in ClinVar:

ClinVar aggregate classification (germline): Uncertain significance (1 of 4 stars; one submission).

Conditions:
Cataract 33. Also called: CATARACT 33, CORTICAL. Identifiers: Orphanet 91492, MedGen C3808107, MONDO:0012665, OMIM 611391.

gnomAD v4.1: 4 of 1,365,340 alleles (0.00029%); highest among the groups gnomAD compares: African/African-American, 0.0061%; no homozygotes.

Submission:

Labcorp Genetics (formerly Invitae), Labcorp
Classification: Uncertain significance for Cataract 33. Last evaluated: 2025-08-04. Review status: criteria provided, single submitter. Criteria: Invitae Variant Classification Sherloc (09022015). Collection method: clinical testing. Allele origin: germline.
Comment: This sequence change replaces glutamic acid, which is acidic and polar, with glycine, which is neutral and non-polar, at codon 80 of the BFSP1 protein (p.Glu80Gly). This variant is not present in population databases (gnomAD no frequency). This variant has not been reported in the literature in individuals affected with BFSP1-related conditions. Invitae Evidence Modeling of protein sequence and biophysical properties (such as structural, functional, and spatial information, amino acid conservation, physicochemical variation, residue mobility, and thermodynamic stability) indicates that this missense variant is not expected to disrupt BFSP1 protein function with a negative predictive value of 80%. In summary, the available evidence is currently insufficient to determine the role of this variant in disease. Therefore, it has been classified as a Variant of Uncertain Significance.

NM_001195.5(BFSP1):c.239A>G (p.Glu80Gly)

Gene: BFSP1 (beaded filament structural protein 1; minus strand). Cytogenetic location: 20p12.1.
Variant type: single nucleotide variant.
Coding change: c.239A>G on transcript NM_001195.5 (MANE Select); coding-DNA position 239, A replaced by G.
Protein change: p.Glu80Gly; replaces glutamic acid 80 with glycine.
Molecular consequence: missense variant. On other transcripts: intron variant (4).
Genome position (GRCh38, 1-based): chr20:17,531,091, T>C on the plus strand (A>G on the coding strand, the complement: BFSP1 is on the minus strand). VCF-style: chr20-17531091-T-C. GRCh37 (hg19) VCF-style: chr20-17511736-T-C.
Other names: c.239A>G, p.Glu80Gly (NM_001424338.1); c.-40-6183A>G (NM_001278608.2, NM_001278606.2); c.45-6183A>G (NM_001278607.2); c.3-6183A>G (NM_001161705.2); short protein forms E80G.
Identifiers: ClinVar variation 4749997 (VCV004749997.1).
Genomic context (GRCh38, chr20:17,531,091, plus strand): 5'-CGGACGCGCTGGCGGTTGCTCTCGACTTGGCGGGCGAGGGCGTCCTCGGGCCCGGCCAGC[T>C]CGCCCAGGCGCTGGAAGGCATCCAGCTGCCTCCGGAGCCCGGCATGGCGCTGCTCGAGGG-3'
Protein context (NP_001186.1, residues 70-90): RQLDAFQRLG[Glu80Gly]LAGPEDALAR